The following is an entry in ClinVar:

NM_001277115.2(DNAH11):c.13457G>A (p.Arg4486Lys)

Genes: CDCA7L (cell division cycle associated 7 like; minus strand), DNAH11 (dynein axonemal heavy chain 11; plus strand). Cytogenetic location: 7p15.3.
Variant type: single nucleotide variant.
Coding change: c.13457G>A on transcript NM_001277115.2 (MANE Select); coding-DNA position 13457, G replaced by A.
Protein change: p.Arg4486Lys; replaces arginine 4486 with lysine.
Molecular consequence: missense variant. On other transcripts: 3 prime UTR variant (3).
Genome position (GRCh38, 1-based): chr7:21,901,160, G>A. VCF-style: chr7-21901160-G-A. GRCh37 (hg19) VCF-style: chr7-21940778-G-A.
Other names: c.*1162C>T (NM_001127370.3, NM_001127371.3, NM_018719.5); short protein forms R4486K.
Identifiers: ClinVar variation 2910777 (VCV002910777.3), dbSNP rs376735165, ClinGen allele CA4183496.

ClinVar aggregate classification (germline): Uncertain significance (1 of 4 stars; one submission).

Conditions:
Primary ciliary dyskinesia. Also called: Ciliary dyskinesia. Identifiers: Orphanet 244, MedGen C0008780, MONDO:0016575, HP:0012265.

Allele frequency attached by ClinVar (database versions not stated): TOPMed below 0.00001; ExAC 0.00001; gnomAD 0.00001; gnomAD exomes 0.00001; ESP Exome Variant Server 0.00008.
gnomAD v4.1: 20 of 1,612,220 alleles (0.0012%); highest among the groups gnomAD compares: Non-Finnish European, 0.0016%; no homozygotes.

Submission:

Labcorp Genetics (formerly Invitae), Labcorp
Classification: Uncertain significance for Primary ciliary dyskinesia. Last evaluated: 2023-07-12. Review status: criteria provided, single submitter. Criteria: Invitae Variant Classification Sherloc (09022015). Collection method: clinical testing. Allele origin: germline.
Comment: This variant has not been reported in the literature in individuals affected with DNAH11-related conditions. This variant is present in population databases (rs376735165, gnomAD 0.0009%). This sequence change replaces arginine, which is basic and polar, with lysine, which is basic and polar, at codon 4486 of the DNAH11 protein (p.Arg4486Lys). In summary, the available evidence is currently insufficient to determine the role of this variant in disease. Therefore, it has been classified as a Variant of Uncertain Significance. Advanced modeling of protein sequence and biophysical properties (such as structural, functional, and spatial information, amino acid conservation, physicochemical variation, residue mobility, and thermodynamic stability) has been performed at Invitae for this missense variant, however the output from this modeling did not meet the statistical confidence thresholds required to predict the impact of this variant on DNAH11 protein function.